The following is an entry in ClinVar:

ClinVar aggregate classification (germline): Pathogenic/Likely pathogenic. Review status: criteria provided, multiple submitters, no conflicts (2 of 4 stars). 3 submissions from 3 submitters: Pathogenic (1); Likely pathogenic (2). Last evaluated 2022-06-13.

Conditions:
COL6A1-related disorder. Also called: COL6A1-related condition.
Inborn genetic diseases. Identifiers: MedGen C0950123, MeSH D030342.

Submissions (3):

Ambry Genetics
Classification: Pathogenic for Inborn genetic diseases. Last evaluated: 2022-06-13. Review status: criteria provided, single submitter. Criteria: Ambry Variant Classification Scheme 2023. Collection method: clinical testing. Allele origin: germline.
Comment: The c.805G>A (p.G269R) alteration is located in exon 9 (coding exon 9) of the COL6A1 gene. This alteration results from a G to A substitution at nucleotide position 805, causing the glycine (G) at amino acid position 269 to be replaced by an arginine (R). This variant was not reported in population-based cohorts in the Genome Aggregation Database (gnomAD). This alteration has been reported in patients with congenital myopathy characterized by progressive weakness, joint laxity, contractures, and motor delay (Deconinck, 2010; Butterfield, 2013). This amino acid position is highly conserved in available vertebrate species. The p.G269 amino acid is located within the triple-helical domain of the collagen alpha-1(VI) chain and affects one of the conserved glycine residues in the repeated Gly-X-Y motifs that make up this domain. This alteration is predicted to be deleterious by in silico analysis. Based on the available evidence, this alteration is classified as pathogenic.

Blueprint Genetics
Classification: Likely pathogenic for COL6A1-related disorders. Last evaluated: 2021-05-31. Review status: criteria provided, single submitter. Criteria: ACMG Guidelines, 2015. Collection method: clinical testing. Allele origin: germline. Affected: yes. Observed: 1 variant allele.

Eurofins Ntd Llc (ga)
Classification: Likely pathogenic. Last evaluated: 2015-10-28. Review status: criteria provided, single submitter. Criteria: EGL Classification Definitions 2015. Collection method: clinical testing. Allele origin: germline. Observed: 3 variant alleles, 3 heterozygotes.

Literature cited by the submitters: PubMed 20576434 (cited by Ambry Genetics); PubMed 24038877 (cited by Ambry Genetics and Eurofins Ntd Llc (ga)).

NM_001848.3(COL6A1):c.805G>A (p.Gly269Arg)

Gene: COL6A1 (collagen type VI alpha 1 chain; plus strand). Cytogenetic location: 21q22.3.
Variant type: single nucleotide variant.
Coding change: c.805G>A on transcript NM_001848.3 (MANE Select); coding-DNA position 805, G replaced by A.
Protein change: p.Gly269Arg; replaces glycine 269 with arginine.
Molecular consequence: missense variant.
Genome position (GRCh38, 1-based): chr21:45,989,084, G>A. VCF-style: chr21-45989084-G-A. GRCh37 (hg19) VCF-style: chr21-47408998-G-A.
Other names: c.805G>A (NM_001848.2); short protein forms G269R.
Identifiers: ClinVar variation 284383 (VCV000284383.8), dbSNP rs886042856, ClinGen allele CA10604778.